The following is an entry in ClinVar:

ClinVar aggregate classification (germline): Likely benign. Review status: criteria provided, multiple submitters, no conflicts (2 of 4 stars). 2 submissions from 2 submitters: Likely benign (2). Last evaluated 2026-01-28.

Conditions:
Ehlers-Danlos syndrome, dermatosparaxis type. Also called: Ehlers-Danlos syndrome, type VII, autosomal recessive; Dermatosparaxis; EDS VIIC. Identifiers: Orphanet 1901, MedGen C2700425, MONDO:0009161, OMIM 225410.

Allele frequency attached by ClinVar (database versions not stated): gnomAD exomes 0.00001 and 0.00003; gnomAD 0.00003; ExAC 0.00004; TOPMed 0.00004.
gnomAD v4.1: 48 of 1,580,066 alleles (0.003%); highest among the groups gnomAD compares: African/African-American, 0.0068%; no homozygotes.

Submissions (2):

Labcorp Genetics (formerly Invitae), Labcorp
Classification: Likely benign for Ehlers-Danlos syndrome, dermatosparaxis type. Last evaluated: 2026-01-28. Review status: criteria provided, single submitter. Criteria: Invitae Variant Classification Sherloc (09022015). Collection method: clinical testing. Allele origin: germline.

GeneDx
Classification: Likely benign. Last evaluated: 2017-03-28. Review status: criteria provided, single submitter. Criteria: GeneDx Variant Classification (06012015). Collection method: clinical testing. Allele origin: germline. Affected: yes.
Comment: This variant is considered likely benign or benign based on one or more of the following criteria: it is a conservative change, it occurs at a poorly conserved position in the protein, it is predicted to be benign by multiple in silico algorithms, and/or has population frequency not consistent with disease.

NM_014244.5(ADAMTS2):c.1902C>T (p.Phe634=)

Gene: ADAMTS2 (ADAM metallopeptidase with thrombospondin type 1 motif 2; minus strand). Cytogenetic location: 5q35.3.
Variant type: single nucleotide variant.
Coding change: c.1902C>T on transcript NM_014244.5 (MANE Select); coding-DNA position 1902, C replaced by T.
Protein change: p.Phe634=; no amino-acid change (phenylalanine 634 retained).
Molecular consequence: synonymous variant.
Genome position (GRCh38, 1-based): chr5:179,137,818, G>A on the plus strand (C>T on the coding strand, the complement: ADAMTS2 is on the minus strand). VCF-style: chr5-179137818-G-A. GRCh37 (hg19) VCF-style: chr5-178564819-G-A.
Identifiers: ClinVar variation 508439 (VCV000508439.10), dbSNP rs769205569, ClinGen allele CA3595752.